The following is an entry in ClinVar:

ClinVar aggregate classification (germline): Uncertain significance. Review status: criteria provided, multiple submitters, no conflicts (2 of 4 stars). 2 submissions from 2 submitters: Uncertain significance (2). Last evaluated 2026-06-09.

Conditions:
Inborn genetic diseases. Identifiers: MedGen C0950123, MeSH D030342.

Allele frequency attached by ClinVar (database versions not stated): TOPMed 0.00001.
gnomAD v4.1: 1 of 1,211,451 alleles (0.000083%); no homozygotes.

Submissions (2):

Ambry Genetics
Classification: Uncertain significance for Inborn genetic diseases. Last evaluated: 2026-06-09. Review status: criteria provided, single submitter. Criteria: Ambry Variant Classification Scheme 2023. Collection method: clinical testing. Allele origin: germline.

GeneDx
Classification: Uncertain significance. Last evaluated: 2023-10-19. Review status: criteria provided, single submitter. Criteria: GeneDx Variant Classification Process June 2021. Collection method: clinical testing. Allele origin: germline. Affected: yes.
Comment: Not observed at significant frequency in large population cohorts (gnomAD); In silico analysis supports that this missense variant does not alter protein structure/function; Has not been previously published as pathogenic or benign to our knowledge

NM_181332.3(NLGN4X):c.2365A>T (p.Met789Leu)

Gene: NLGN4X (neuroligin 4 X-linked; minus strand). Cytogenetic location: Xp22.32.
Variant type: single nucleotide variant.
Coding change: c.2365A>T on transcript NM_181332.3 (MANE Select); coding-DNA position 2365, A replaced by T.
Protein change: p.Met789Leu; replaces methionine 789 with leucine.
Molecular consequence: missense variant.
Genome position (GRCh38, 1-based): chrX:5,892,903, T>A on the plus strand (A>T on the coding strand, the complement: NLGN4X is on the minus strand). VCF-style: chrX-5892903-T-A. GRCh37 (hg19) VCF-style: chrX-5810944-T-A.
Other names: c.2365A>T, p.Met789Leu (NM_001282145.2, NM_001282146.2, NM_020742.4); short protein forms M789L.
Identifiers: ClinVar variation 2584732 (VCV002584732.2), dbSNP rs1261678121, ClinGen allele CA412012415.
Genomic context (GRCh38, chrX:5,892,903, plus strand): 5'-GGGGTAAATTTGTACTGTTTTGTCCTCCACTGAAGGTGTTAAAAGTGTGCAAAGGCTGCA[T>A]CCCCGTCAGTGTGTTTGGAATCATGGTGATGGTGTTTGGCGTCATAAGTGGGATGTCATC-3'
Protein context (NP_851849.1, residues 779-799): ITMIPNTLTG[Met789Leu]QPLHTFNTFS